The following is an entry in ClinVar:

ClinVar aggregate classification (germline): Benign/Likely benign. Review status: criteria provided, multiple submitters, no conflicts (2 of 4 stars). 8 submissions from 8 submitters: Benign (2); Likely benign (6). Last evaluated 2026-01-23.

Conditions:
Cardiovascular phenotype. Identifiers: MedGen CN230736.
Sitosterolemia (STSL). Also called: PHYTOSTEROLEMIA. Identifiers: Orphanet 2882, MedGen C0342907, MONDO:0008863.

Allele frequency attached by ClinVar (database versions not stated): gnomAD exomes 0.00050 and 0.00021; TOPMed 0.00195; ESP Exome Variant Server 0.00292; ExAC 0.00068; gnomAD 0.00198 and 0.00186; 1000 Genomes Project 30x 0.00203; 1000 Genomes Project 0.00200.
gnomAD v4.1: 600 of 1,614,136 alleles (0.037%); highest among the groups gnomAD compares: African/African-American, 0.66%; no homozygotes.

Submissions (8):

Labcorp Genetics (formerly Invitae), Labcorp
Classification: Benign for Sitosterolemia. Last evaluated: 2026-01-23. Review status: criteria provided, single submitter. Criteria: Invitae Variant Classification Sherloc (09022015). Collection method: clinical testing. Allele origin: germline.

Mayo Clinic Laboratories, Mayo Clinic
Classification: Likely benign. Last evaluated: 2025-07-16. Review status: criteria provided, single submitter. Criteria: ACMG Guidelines, 2015. Collection method: clinical testing. Allele origin: germline. Observed: 2 variant alleles.
Comment: BS1, BP4, BP7

Blueprint Genetics
Classification: Likely benign. Last evaluated: 2024-11-13. Review status: criteria provided, single submitter. Criteria: ACMG Guidelines, 2015. Collection method: clinical testing. Allele origin: germline.

Women's Health and Genetics/Laboratory Corporation of America, LabCorp
Classification: Likely benign. Last evaluated: 2023-08-07. Review status: criteria provided, single submitter. Criteria: LabCorp Variant Classification Summary - May 2015. Collection method: clinical testing. Allele origin: germline.

Ambry Genetics
Classification: Benign for Cardiovascular phenotype. Last evaluated: 2020-10-29. Review status: criteria provided, single submitter. Criteria: Ambry Variant Classification Scheme 2023. Collection method: clinical testing. Allele origin: germline.

GeneDx
Classification: Likely benign. Last evaluated: 2019-09-27. Review status: criteria provided, single submitter. Criteria: GeneDx Variant Classification Process June 2021. Collection method: clinical testing. Allele origin: germline. Affected: yes.

Eurofins Ntd Llc (ga)
Classification: Likely benign. Last evaluated: 2017-03-28. Review status: criteria provided, single submitter. Criteria: EGL Classification Definitions 2015. Collection method: clinical testing. Allele origin: germline. Observed: 5 variant alleles, 5 heterozygotes.

Breakthrough Genomics
Classification: Likely benign. Review status: criteria provided, single submitter. Criteria: ACMG Guidelines, 2015. Collection method: not provided. Allele origin: germline. Inheritance: Autosomal recessive inheritance. Affected: yes.

NM_022436.3(ABCG5):c.1284C>T (p.Gly428=)

Genes: ABCG5 (ATP binding cassette subfamily G member 5; minus strand), DYNC2LI1 (dynein cytoplasmic 2 light intermediate chain 1; plus strand). Cytogenetic location: 2p21.
Variant type: single nucleotide variant.
Coding change: c.1284C>T on transcript NM_022436.3 (MANE Select); coding-DNA position 1284, C replaced by T.
Protein change: p.Gly428=; no amino-acid change (glycine 428 retained).
Molecular consequence: synonymous variant. On other transcripts: intron variant (2).
Genome position (GRCh38, 1-based): chr2:43,823,953, G>A on the plus strand (C>T on the coding strand, the complement: ABCG5 is on the minus strand). VCF-style: chr2-43823953-G-A. GRCh37 (hg19) VCF-style: chr2-44051092-G-A.
Other names: p.Gly428=; c.*16-3433G>A (NM_001348913.2, NM_001348912.2).
Identifiers: ClinVar variation 199164 (VCV000199164.19), dbSNP rs143972075, ClinGen allele CA248215.
Genomic context (GRCh38, chr2:43,823,953, plus strand): 5'-TCCAGCACGTGGGCACTTACACAGATTCACAGCGTTCAGCATGCCTGTGTACGGGGTGGC[G>A]CCCACAAACTGGTAAAGGAGACCTACGCGGTCCTGGATAGCACCCTTTAGCACATTGCTT-3'
Protein context (NP_071881.1, residues 418-438): DRVGLLYQFV[Gly428=]ATPYTGMLNA